The following is an entry in ClinVar:

ClinVar aggregate classification (germline): Likely benign. Review status: criteria provided, multiple submitters, no conflicts (2 of 4 stars). 3 submissions from 3 submitters: Likely benign (3). Last evaluated 2024-12-19.

Allele frequency attached by ClinVar (database versions not stated): ExAC 0.00001; gnomAD exomes 0.00001; TOPMed 0.00002.
gnomAD v4.1: 5 of 1,607,666 alleles (0.00031%); highest among the groups gnomAD compares: African/African-American, 0.0027%; no homozygotes.

Submissions (3):

Mayo Clinic Laboratories, Mayo Clinic
Classification: Likely benign. Last evaluated: 2024-12-19. Review status: criteria provided, single submitter. Criteria: ACMG Guidelines, 2015. Collection method: clinical testing. Allele origin: germline. Observed: 1 variant allele.
Comment: BP4, BP7

Labcorp Genetics (formerly Invitae), Labcorp
Classification: Likely benign. Last evaluated: 2024-09-05. Review status: criteria provided, single submitter. Criteria: Invitae Variant Classification Sherloc (09022015). Collection method: clinical testing. Allele origin: germline.

GeneDx
Classification: Likely benign. Last evaluated: 2018-05-09. Review status: criteria provided, single submitter. Criteria: GeneDx Variant Classification (06012015). Collection method: clinical testing. Allele origin: germline. Affected: yes.
Comment: This variant is considered likely benign or benign based on one or more of the following criteria: it is a conservative change, it occurs at a poorly conserved position in the protein, it is predicted to be benign by multiple in silico algorithms, and/or has population frequency not consistent with disease.

NM_001365088.1(SLC12A6):c.3402A>G (p.Arg1134=)

Gene: SLC12A6 (solute carrier family 12 member 6; minus strand). Cytogenetic location: 15q14.
Variant type: single nucleotide variant.
Coding change: c.3402A>G on transcript NM_001365088.1 (MANE Select); coding-DNA position 3402, A replaced by G.
Protein change: p.Arg1134=; no amino-acid change (arginine 1134 retained).
Molecular consequence: synonymous variant.
Genome position (GRCh38, 1-based): chr15:34,233,932, T>C on the plus strand (A>G on the coding strand, the complement: SLC12A6 is on the minus strand). VCF-style: chr15-34233932-T-C. GRCh37 (hg19) VCF-style: chr15-34526133-T-C.
Other names: p.Arg1134=; c.3225A>G, p.Arg1075= (NM_001042494.2, NM_001042495.2); c.3375A>G, p.Arg1125= (NM_001042496.2); c.3357A>G, p.Arg1119= (NM_001042497.2); c.3249A>G, p.Arg1083= (NM_005135.2); c.3402A>G, p.Arg1134= (NM_133647.2).
Identifiers: ClinVar variation 668313 (VCV000668313.12), dbSNP rs750825269, ClinGen allele CA7463842.